The following is an entry in ClinVar:

ClinVar aggregate classification (germline): Likely benign (1 of 4 stars; one submission).

Conditions:
Clark-Baraitser syndrome. Also called: BARAITSER SYNDROME; Mental retardation, tall stature, obesity, macrocephaly and typical facial features; Intellectual disability, autosomal dominant 49; MENTAL RETARDATION, AUTOSOMAL DOMINANT 49. Identifiers: Orphanet 600731, MedGen C2931130, MONDO:0030914, OMIM 617752.

Allele frequency attached by ClinVar (database versions not stated): gnomAD exomes below 0.00001; TOPMed 0.00001.
gnomAD v4.1: 8 of 1,614,002 alleles (0.0005%); highest among the groups gnomAD compares: Middle Eastern, 0.016%; no homozygotes.

Submission:

MGZ Medical Genetics Center
Classification: Likely benign for Clark-Baraitser syndrome. Last evaluated: 2021-09-16. Review status: criteria provided, single submitter. Criteria: ACMG Guidelines, 2015. Collection method: clinical testing. Allele origin: germline. Affected: yes. Observed: 1 variant allele.
Comment: ACMG criteria applied: PM2_SUP, PP2, BS2_SUP, BP4

NM_001348323.3(TRIP12):c.4609A>G (p.Ile1537Val)

Gene: TRIP12 (thyroid hormone receptor interactor 12; minus strand). Cytogenetic location: 2q36.3.
Variant type: single nucleotide variant.
Coding change: c.4609A>G on transcript NM_001348323.3 (MANE Select); coding-DNA position 4609, A replaced by G.
Protein change: p.Ile1537Val; replaces isoleucine 1537 with valine.
Molecular consequence: missense variant.
Genome position (GRCh38, 1-based): chr2:229,789,697, T>C on the plus strand (A>G on the coding strand, the complement: TRIP12 is on the minus strand). VCF-style: chr2-229789697-T-C. GRCh37 (hg19) VCF-style: chr2-230654413-T-C.
Other names: c.4528A>G, p.Ile1510Val (NM_001284214.2, NM_001348315.2); c.4483A>G, p.Ile1495Val (NM_001284215.2, NM_001348316.2); c.3574A>G, p.Ile1192Val (NM_001284216.2); c.4468A>G, p.Ile1490Val (NM_001348317.1, NM_001348318.2); c.4594A>G, p.Ile1532Val (NM_001348319.1, NM_001348320.2); c.4597A>G, p.Ile1533Val (NM_001348321.1); c.4609A>G, p.Ile1537Val (NM_001348322.1, NM_001348324.2, NM_001348325.2 and 2 more transcripts); c.4612A>G, p.Ile1538Val (NM_001348328.1, NM_001348329.2, NM_001348330.2); and 4 more; short protein forms I1192V, I1462V, I1463V, I1490V, I1495V, I1503V, I1510V, I1511V.
Identifiers: ClinVar variation 1709298 (VCV001709298.2), dbSNP rs1242181004, ClinGen allele CA350895262.